The following is an entry in ClinVar:

ClinVar aggregate classification (germline): Uncertain significance (1 of 4 stars; one submission).

Conditions:
Ehlers-Danlos syndrome, classic type, 1 (EDSCL1). Also called: EHLERS-DANLOS SYNDROME, GRAVIS TYPE; EHLERS-DANLOS SYNDROME, SEVERE CLASSIC TYPE; Ehlers-Danlos syndrome, type 1; EDS I; Ehlers-Danlos Syndrome, Classic Type, COL5A1-Related. Identifiers: MedGen C0268335, MONDO:0019567, OMIM 130000.

Allele frequency attached by ClinVar (database versions not stated): gnomAD 0.00001; ExAC 0.00001.
gnomAD v4.1: 1 of 1,614,086 alleles (0.000062%); highest among the groups gnomAD compares: African/African-American, 0.0013%; no homozygotes.

Submission:

Labcorp Genetics (formerly Invitae), Labcorp
Classification: Uncertain significance for Ehlers-Danlos syndrome, classic type, 1. Last evaluated: 2021-06-20. Review status: criteria provided, single submitter. Criteria: Invitae Variant Classification Sherloc (09022015). Collection method: clinical testing. Allele origin: germline.
Comment: This variant has not been reported in the literature in individuals with COL5A1-related conditions. In summary, the available evidence is currently insufficient to determine the role of this variant in disease. Therefore, it has been classified as a Variant of Uncertain Significance. Advanced modeling of protein sequence and biophysical properties (such as structural, functional, and spatial information, amino acid conservation, physicochemical variation, residue mobility, and thermodynamic stability) performed at Invitae indicates that this missense variant is not expected to disrupt COL5A1 protein function. This variant is present in population databases (rs761227399, ExAC 0.01%). This sequence change replaces glutamine with arginine at codon 366 of the COL5A1 protein (p.Gln366Arg). The glutamine residue is weakly conserved and there is a small physicochemical difference between glutamine and arginine.

NM_000093.5(COL5A1):c.1097A>G (p.Gln366Arg)

Gene: COL5A1 (collagen type V alpha 1 chain; plus strand). Cytogenetic location: 9q34.3.
Variant type: single nucleotide variant.
Coding change: c.1097A>G on transcript NM_000093.5 (MANE Select); coding-DNA position 1097, A replaced by G.
Protein change: p.Gln366Arg; replaces glutamine 366 with arginine.
Molecular consequence: missense variant.
Genome position (GRCh38, 1-based): chr9:134,730,408, A>G. VCF-style: chr9-134730408-A-G. GRCh37 (hg19) VCF-style: chr9-137622254-A-G.
Other names: c.1097A>G, p.Gln366Arg (NM_001278074.1); short protein forms Q366R.
Identifiers: ClinVar variation 1362198 (VCV001362198.8), dbSNP rs761227399, ClinGen allele CA5318633.